The following is an entry in ClinVar:

NM_003052.5(SLC34A1):c.1635C>T (p.Gly545=)

Gene: SLC34A1 (solute carrier family 34 member 1; plus strand). Cytogenetic location: 5q35.3.
Variant type: single nucleotide variant.
Coding change: c.1635C>T on transcript NM_003052.5 (MANE Select); coding-DNA position 1635, C replaced by T.
Protein change: p.Gly545=; no amino-acid change (glycine 545 retained).
Molecular consequence: synonymous variant.
Genome position (GRCh38, 1-based): chr5:177,398,001, C>T. VCF-style: chr5-177398001-C-T. GRCh37 (hg19) VCF-style: chr5-176825002-C-T.
Other names: p.Gly545=.
Identifiers: ClinVar variation 352974 (VCV000352974.20), dbSNP rs7379524, ClinGen allele CA3580850.
Genomic context (GRCh38, chr5:177,398,001, plus strand): 5'-GCTGCCCTCACTGGTGTTTGGCATCTCCATGGCAGGCTGGCAGGTCATGGTAGGTGTGGG[C>T]ACGCCCTTCGGGGCCCTGCTGGCCTTCGTGGTGCTCATCAATGTCCTGCAGAGTCGGAGT-3'
Protein context (NP_003043.3, residues 535-555): MAGWQVMVGV[Gly545=]TPFGALLAFV

ClinVar aggregate classification (germline): Benign/Likely benign. Review status: criteria provided, multiple submitters, no conflicts (2 of 4 stars). 5 submissions from 5 submitters: Benign (4); Likely benign (1). Last evaluated 2026-01-27.

Conditions:
Hypophosphatemic nephrolithiasis/osteoporosis 1. Identifiers: Orphanet 244305, MedGen C2676786, MONDO:0012850, OMIM 612286.

Allele frequency attached by ClinVar (database versions not stated): ESP Exome Variant Server 0.02683; TOPMed 0.02729; gnomAD exomes 0.00608; ExAC 0.00749; gnomAD 0.02386 and 0.02591; 1000 Genomes Project 0.02396; 1000 Genomes Project 30x 0.02405.
gnomAD v4.1: 7,069 of 1,613,958 alleles (0.44%); highest among the groups gnomAD compares: African/African-American, 8.4%; 261 homozygotes.

Submissions (5):

Labcorp Genetics (formerly Invitae), Labcorp
Classification: Benign. Last evaluated: 2026-01-27. Review status: criteria provided, single submitter. Criteria: Invitae Variant Classification Sherloc (09022015). Collection method: clinical testing. Allele origin: germline.

Blueprint Genetics
Classification: Likely benign. Last evaluated: 2024-11-26. Review status: criteria provided, single submitter. Criteria: ACMG Guidelines, 2015. Collection method: clinical testing. Allele origin: germline.

Mayo Clinic Laboratories, Mayo Clinic
Classification: Benign. Last evaluated: 2023-03-25. Review status: criteria provided, single submitter. Criteria: ACMG Guidelines, 2015. Collection method: clinical testing. Allele origin: germline. Observed: 6 variant alleles.

GeneDx
Classification: Benign. Last evaluated: 2019-09-11. Review status: criteria provided, single submitter. Criteria: GeneDx Variant Classification Process June 2021. Collection method: clinical testing. Allele origin: germline. Affected: yes.

Illumina Laboratory Services, Illumina
Classification: Benign for Hypophosphatemic nephrolithiasis/osteoporosis 1. Last evaluated: 2018-01-13. Review status: criteria provided, single submitter. Criteria: ICSL Variant Classification Criteria 13 December 2019. Collection method: clinical testing. Allele origin: germline.
Comment: This variant was observed in the ICSL laboratory as part of a predisposition screen in an ostensibly healthy population. It had not been previously curated by ICSL or reported in the Human Gene Mutation Database (HGMD: prior to June 1st, 2018), and was therefore a candidate for classification through an automated scoring system. Utilizing variant allele frequency, disease prevalence and penetrance estimates, and inheritance mode, an automated score was calculated to assess if this variant is too frequent to cause the disease. Based on the score and internal cut-off values, a variant classified as benign is not then subjected to further curation. The score for this variant resulted in a classification of benign for this disease.